The following is an entry in ClinVar:

NM_001854.4(COL11A1):c.3671C>G (p.Pro1224Arg)

Gene: COL11A1 (collagen type XI alpha 1 chain; minus strand). Cytogenetic location: 1p21.1.
Variant type: single nucleotide variant.
Coding change: c.3671C>G on transcript NM_001854.4 (MANE Select); coding-DNA position 3671, C replaced by G.
Protein change: p.Pro1224Arg; replaces proline 1224 with arginine.
Molecular consequence: missense variant. On other transcripts: non-coding transcript variant (1).
Genome position (GRCh38, 1-based): chr1:102,921,555, G>C on the plus strand (C>G on the coding strand, the complement: COL11A1 is on the minus strand). VCF-style: chr1-102921555-G-C. GRCh37 (hg19) VCF-style: chr1-103387111-G-C.
Other names: c.3323C>G, p.Pro1108Arg (NM_001168249.1, NM_080630.4); c.3554C>G, p.Pro1185Arg (NM_001190709.2); c.3707C>G, p.Pro1236Arg (NM_080629.3); short protein forms P1224R, P1236R, P1108R, P1185R.
Identifiers: ClinVar variation 2767488 (VCV002767488.3), dbSNP rs2524553443, ClinGen allele CA341164375.

ClinVar aggregate classification (germline): Uncertain significance (1 of 4 stars; one submission).

Submission:

Labcorp Genetics (formerly Invitae), Labcorp
Classification: Uncertain significance. Last evaluated: 2023-07-12. Review status: criteria provided, single submitter. Criteria: Invitae Variant Classification Sherloc (09022015). Collection method: clinical testing. Allele origin: germline.
Comment: This variant is not present in population databases (gnomAD no frequency). In summary, the available evidence is currently insufficient to determine the role of this variant in disease. Therefore, it has been classified as a Variant of Uncertain Significance. Advanced modeling of protein sequence and biophysical properties (such as structural, functional, and spatial information, amino acid conservation, physicochemical variation, residue mobility, and thermodynamic stability) has been performed at Invitae for this missense variant, however the output from this modeling did not meet the statistical confidence thresholds required to predict the impact of this variant on COL11A1 protein function. This variant has not been reported in the literature in individuals affected with COL11A1-related conditions. This sequence change replaces proline, which is neutral and non-polar, with arginine, which is basic and polar, at codon 1224 of the COL11A1 protein (p.Pro1224Arg).